The following is an entry in ClinVar:

ClinVar aggregate classification (germline): Conflicting classifications of pathogenicity. Review status: criteria provided, conflicting classifications (1 of 4 stars). 2 submissions from 2 submitters: Likely pathogenic (1); Uncertain significance (1). Last evaluated 2026-02-02.

Conditions:
Mitochondrial complex II deficiency, nuclear type 1. Also called: SUCCINATE CoQ REDUCTASE DEFICIENCY. Identifiers: Orphanet 3208, MedGen C5700310, MONDO:0100294, OMIM 252011.
Pheochromocytoma/paraganglioma syndrome 5. Also called: Paragangliomas 5; SDHA-Related Hereditary Paraganglioma-Pheochromocytoma Syndrome. Identifiers: Orphanet 29072, MedGen C3279992, MONDO:0013602, OMIM 614165.
Hereditary cancer-predisposing syndrome. Also called: Neoplastic Syndromes, Hereditary; Hereditary Cancer Syndrome; Hereditary neoplastic syndrome; Tumor predisposition. Identifiers: Orphanet 140162, MedGen C0027672, MeSH D009386, MONDO:0015356.

Submissions (2):

Labcorp Genetics (formerly Invitae), Labcorp
Classification: Uncertain significance for Pheochromocytoma/paraganglioma syndrome 5; Mitochondrial complex II deficiency, nuclear type 1. Last evaluated: 2026-02-02. Review status: criteria provided, single submitter. Criteria: Invitae Variant Classification Sherloc (09022015). Collection method: clinical testing. Allele origin: germline.
Comment: This sequence change replaces glutamine, which is neutral and polar, with lysine, which is basic and polar, at codon 170 of the SDHA protein (p.Gln170Lys). This variant is not present in population databases (gnomAD no frequency). This missense change has been observed in individual(s) with paraganglioma (PMID: 33362715, 37873498). ClinVar contains an entry for this variant (Variation ID: 1518562). Invitae Evidence Modeling of protein sequence and biophysical properties (such as structural, functional, and spatial information, amino acid conservation, physicochemical variation, residue mobility, and thermodynamic stability) has been performed for this missense variant. However, the output from this modeling did not meet the statistical confidence thresholds required to predict the impact of this variant on SDHA protein function. In summary, the available evidence is currently insufficient to determine the role of this variant in disease. Therefore, it has been classified as a Variant of Uncertain Significance.

Ambry Genetics
Classification: Likely pathogenic for Hereditary cancer-predisposing syndrome. Last evaluated: 2024-01-08. Review status: criteria provided, single submitter. Criteria: Ambry Variant Classification Scheme 2023. Collection method: clinical testing. Allele origin: germline.
Comment: The p.Q170K variant (also known as c.508C>A), located in coding exon 5 of the SDHA gene, results from a C to A substitution at nucleotide position 508. The glutamine at codon 170 is replaced by lysine, an amino acid with similar properties. This variant has been reported in multiple individuals with features consistent with SDHA-related paraganglioma-pheochromocytoma syndrome (Ma X et al. Front Endocrinol (Lausanne), 2020 Dec;11:574662; Ma X et al. Front Endocrinol (Lausanne), 2022 Jul;13:921645; Shi C et al. J Endocr Soc, 2023 Aug;7:bvad093). This amino acid position is highly conserved in available vertebrate species. In addition, this alteration is predicted to be deleterious by in silico analysis. Based on the majority of available evidence to date, this variant is likely to be pathogenic.

Literature cited by the submitters: PubMed 33362715 (cited by Labcorp Genetics (formerly Invitae), Labcorp and Ambry Genetics); PubMed 37873498 (cited by Labcorp Genetics (formerly Invitae), Labcorp and Ambry Genetics); PubMed 35966080 (cited by Ambry Genetics).

NM_004168.4(SDHA):c.508C>A (p.Gln170Lys)

Gene: SDHA (succinate dehydrogenase complex flavoprotein subunit A; plus strand). Cytogenetic location: 5p15.33.
Variant type: single nucleotide variant.
Coding change: c.508C>A on transcript NM_004168.4 (MANE Select); coding-DNA position 508, C replaced by A.
Protein change: p.Gln170Lys; replaces glutamine 170 with lysine.
Molecular consequence: missense variant.
Genome position (GRCh38, 1-based): chr5:225,934, C>A. VCF-style: chr5-225934-C-A. GRCh37 (hg19) VCF-style: chr5-226049-C-A.
Other names: c.508C>A (NM_004168.2); c.364C>A, p.Gln122Lys (NM_001294332.2); c.508C>A, p.Gln170Lys (NM_001330758.2); short protein forms Q122K, Q170K.
Identifiers: ClinVar variation 1518562 (VCV001518562.9), dbSNP rs1579385645, ClinGen allele CA359010098.